The following is an entry in ClinVar:

ClinVar aggregate classification (germline): Conflicting classifications of pathogenicity. Review status: criteria provided, conflicting classifications (1 of 4 stars). 6 submissions from 6 submitters: Uncertain significance (4); Likely benign (2). Last evaluated 2024-11-25.

Conditions:
DOCK8-related disorder. Also called: DOCK8-related condition.
Combined immunodeficiency due to DOCK8 deficiency (HIES2). Also called: DOCK8 Deficiency; HIES autosomal recessive; HYPER-IgE RECURRENT INFECTION SYNDROME 2, AUTOSOMAL RECESSIVE; HYPER-IgE SYNDROME 2, AUTOSOMAL RECESSIVE, WITH RECURRENT INFECTIONS; Hyper-IgE recurrent infection syndrome, autosomal recessive. Identifiers: Orphanet 217390, MedGen C4722305, MONDO:0009478, OMIM 243700.

Allele frequency attached by ClinVar (database versions not stated): gnomAD 0.00006 and 0.00008; ExAC 0.00008; ESP Exome Variant Server 0.00008; gnomAD exomes 0.00008 and 0.00010; TOPMed 0.00013.
gnomAD v4.1: 165 of 1,614,110 alleles (0.01%); highest among the groups gnomAD compares: Middle Eastern, 0.96%; 1 homozygote.

Submissions (6):

Blueprint Genetics
Classification: Likely benign. Last evaluated: 2024-11-25. Review status: criteria provided, single submitter. Criteria: ACMG Guidelines, 2015. Collection method: clinical testing. Allele origin: germline.

Labcorp Genetics (formerly Invitae), Labcorp
Classification: Uncertain significance for Combined immunodeficiency due to DOCK8 deficiency. Last evaluated: 2024-10-25. Review status: criteria provided, single submitter. Criteria: Invitae Variant Classification Sherloc (09022015). Collection method: clinical testing. Allele origin: germline.
Comment: This sequence change replaces serine, which is neutral and polar, with leucine, which is neutral and non-polar, at codon 1449 of the DOCK8 protein (p.Ser1449Leu). This variant is present in population databases (rs370123223, gnomAD 0.02%). This missense change has been observed in individual(s) with DOCK8 deficiency (PMID: 27890707). ClinVar contains an entry for this variant (Variation ID: 386550). Invitae Evidence Modeling of protein sequence and biophysical properties (such as structural, functional, and spatial information, amino acid conservation, physicochemical variation, residue mobility, and thermodynamic stability) indicates that this missense variant is not expected to disrupt DOCK8 protein function with a negative predictive value of 80%. In summary, the available evidence is currently insufficient to determine the role of this variant in disease. Therefore, it has been classified as a Variant of Uncertain Significance.

PreventionGenetics, part of Exact Sciences
Classification: Uncertain significance for DOCK8-related condition. Last evaluated: 2023-04-28. Review status: criteria provided, single submitter. Criteria: ACMG Guidelines, 2015. Collection method: clinical testing. Allele origin: germline.
Comment: The DOCK8 c.4346C>T variant is predicted to result in the amino acid substitution p.Ser1449Leu. This variant has been reported in the homozygous state in three related Saudi patients from a highly consanguineous family (Al Shekaili et al. 2017. PubMed ID: 27890707). Of note, these individuals were also homozygous for a splicing variant, c.4626+5G>A, in DOCK8 that was predicted to impact splicing based on splicing predication programs and abolish protein product via western blot analysis (Alamut Visual Plus v1.6.1; Al Shekaili et al. 2017. PubMed ID: 27890707). This variant was also reported in the compound heterozygous state in an individual with suspected primary immunodeficiency (Table E2 - Platt et al. 2021. PubMed ID: 32888943). This variant is reported in 0.017% of alleles in individuals of Latino descent in gnomAD. At this time, the clinical significance of this variant is uncertain due to the absence of conclusive functional and genetic evidence.

Revvity Omics, Revvity
Classification: Uncertain significance for Combined immunodeficiency due to DOCK8 deficiency. Last evaluated: 2022-11-29. Review status: criteria provided, single submitter. Criteria: ACMG Guidelines, 2015. Collection method: clinical testing. Allele origin: germline.

Baylor Genetics
Classification: Uncertain significance for Combined immunodeficiency due to DOCK8 deficiency. Last evaluated: 2020-06-03. Review status: criteria provided, single submitter. Criteria: ACMG Guidelines, 2015. Collection method: clinical testing. Allele origin: unknown. Affected: yes.
Comment: This variant was determined to be of uncertain significance according to ACMG Guidelines, 2015 [PMID:25741868].

GeneDx
Classification: Likely benign. Last evaluated: 2018-04-09. Review status: criteria provided, single submitter. Criteria: GeneDx Variant Classification Process June 2021. Collection method: clinical testing. Allele origin: germline. Affected: yes.
Comment: This variant is associated with the following publications: (PMID: 27890707, 32888943)

Literature cited by the submitters: PubMed 27890707 (cited by Labcorp Genetics (formerly Invitae), Labcorp).

NM_203447.4(DOCK8):c.4346C>T (p.Ser1449Leu)

Gene: DOCK8 (dedicator of cytokinesis 8; plus strand). Cytogenetic location: 9p24.3.
Variant type: single nucleotide variant.
Coding change: c.4346C>T on transcript NM_203447.4 (MANE Select); coding-DNA position 4346, C replaced by T.
Protein change: p.Ser1449Leu; replaces serine 1449 with leucine.
Molecular consequence: missense variant.
Genome position (GRCh38, 1-based): chr9:428,369, C>T. VCF-style: chr9-428369-C-T. GRCh37 (hg19) VCF-style: chr9-428369-C-T.
Other names: c.4046C>T, p.Ser1349Leu (NM_001190458.2); c.4142C>T, p.Ser1381Leu (NM_001193536.2); short protein forms S1449L, S1349L, S1381L.
Identifiers: ClinVar variation 386550 (VCV000386550.13), dbSNP rs370123223, ClinGen allele CA4959059.